The following is an entry in ClinVar:

NM_000891.3(KCNJ2):c.811C>T (p.His271Tyr)

Gene: KCNJ2 (potassium inwardly rectifying channel subfamily J member 2; plus strand). Cytogenetic location: 17q24.3.
Variant type: single nucleotide variant.
Coding change: c.811C>T on transcript NM_000891.3 (MANE Select); coding-DNA position 811, C replaced by T.
Protein change: p.His271Tyr; replaces histidine 271 with tyrosine.
Molecular consequence: missense variant.
Genome position (GRCh38, 1-based): chr17:70,175,850, C>T. VCF-style: chr17-70175850-C-T. GRCh37 (hg19) VCF-style: chr17-68171991-C-T.
Other names: short protein forms H271Y.
Identifiers: ClinVar variation 4783743 (VCV004783743.1).

ClinVar aggregate classification (germline): Uncertain significance (1 of 4 stars; one submission).

Conditions:
Short QT syndrome type 3. Identifiers: Orphanet 51083, MedGen C1865018, MONDO:0012314, OMIM 609622.
Andersen Tawil syndrome (LQT7). Also called: Potassium-sensitive periodic paralysis, ventricular ectopy, and dysmorphic features; ANDERSEN CARDIODYSRHYTHMIC PERIODIC PARALYSIS; LONG QT SYNDROME 7; PERIODIC PARALYSIS, POTASSIUM-SENSITIVE CARDIODYSRHYTHMIC TYPE; Andersen Syndrome. Identifiers: Orphanet 37553, MedGen C1563715, MONDO:0008222, OMIM 170390.

Submission:

Labcorp Genetics (formerly Invitae), Labcorp
Classification: Uncertain significance for Short QT syndrome type 3; Andersen Tawil syndrome. Last evaluated: 2025-09-21. Review status: criteria provided, single submitter. Criteria: Invitae Variant Classification Sherloc (09022015). Collection method: clinical testing. Allele origin: germline.
Comment: This sequence change replaces histidine, which is basic and polar, with tyrosine, which is neutral and polar, at codon 271 of the KCNJ2 protein (p.His271Tyr). This variant is not present in population databases (gnomAD no frequency). This variant has not been reported in the literature in individuals affected with KCNJ2-related conditions. Invitae Evidence Modeling of protein sequence and biophysical properties (such as structural, functional, and spatial information, amino acid conservation, physicochemical variation, residue mobility, and thermodynamic stability) indicates that this missense variant is expected to disrupt KCNJ2 protein function with a positive predictive value of 95%. In summary, the available evidence is currently insufficient to determine the role of this variant in disease. Therefore, it has been classified as a Variant of Uncertain Significance.